The following is an entry in ClinVar:

ClinVar aggregate classification (germline): Benign (1 of 4 stars; one submission).

Submission:

CeGaT Center for Human Genetics Tuebingen
Classification: Benign. Last evaluated: 2026-01-01. Review status: criteria provided, single submitter. Criteria: CeGaT Center For Human Genetics Tuebingen Variant Classification Criteria Version 2. Collection method: clinical testing. Allele origin: germline. Affected: yes. Observed: 1 variant allele.
Comment: PLEKHG5: PP3, BS1, BS2

NM_198681.4(PLEKHG5):c.-164-9453G>C

Gene: PLEKHG5 (pleckstrin homology and RhoGEF domain containing G5; minus strand). Cytogenetic location: 1p36.31.
Variant type: single nucleotide variant.
Coding change: c.-164-9453G>C on transcript NM_198681.4; 9453 bases into the intron before 164 bases upstream of the start codon, G replaced by C.
Molecular consequence: intron variant.
Genome position (GRCh38, 1-based): chr1:6,506,022, C>G on the plus strand (G>C on the coding strand, the complement: PLEKHG5 is on the minus strand). VCF-style: chr1-6506022-C-G. GRCh37 (hg19) VCF-style: chr1-6566082-C-G.
Identifiers: ClinVar variation 4822103 (VCV004822103.4).